The following is an entry in ClinVar:

NM_006015.6(ARID1A):c.95G>A (p.Arg32Gln)

Gene: ARID1A (AT-rich interaction domain 1A; plus strand). Cytogenetic location: 1p36.11.
Variant type: single nucleotide variant.
Coding change: c.95G>A on transcript NM_006015.6 (MANE Select); coding-DNA position 95, G replaced by A.
Protein change: p.Arg32Gln; replaces arginine 32 with glutamine.
Molecular consequence: missense variant.
Genome position (GRCh38, 1-based): chr1:26,696,498, G>A. VCF-style: chr1-26696498-G-A. GRCh37 (hg19) VCF-style: chr1-27022989-G-A.
Other names: c.95G>A, p.Arg32Gln (NM_139135.4); short protein forms R32Q.
Identifiers: ClinVar variation 1953949 (VCV001953949.5), dbSNP rs1388125925, ClinGen allele CA339264382.
Genomic context (GRCh38, chr1:26,696,498, plus strand): 5'-GCCTGGGCAACCCGCCGCCGCCGCCGCCCTCGGAGCTGAAGAAAGCCGAGCAGCAGCAGC[G>A]GGAGGAGGCGGGGGGCGAGGCGGCGGCGGCGGCAGCGGCCGAGCGCGGGGAAATGAAGGC-3'
Protein context (NP_006006.3, residues 22-42): SELKKAEQQQ[Arg32Gln]EEAGGEAAAA

ClinVar aggregate classification (germline): Uncertain significance (1 of 4 stars; one submission).

Allele frequency attached by ClinVar (database versions not stated): gnomAD exomes 0.00001; gnomAD 0.00001; TOPMed 0.00001.
gnomAD v4.1: 7 of 1,237,524 alleles (0.00057%); highest among the groups gnomAD compares: African/African-American, 0.0063%; no homozygotes.

Submission:

Labcorp Genetics (formerly Invitae), Labcorp
Classification: Uncertain significance. Last evaluated: 2025-06-09. Review status: criteria provided, single submitter. Criteria: Invitae Variant Classification Sherloc (09022015). Collection method: clinical testing. Allele origin: germline.
Comment: This sequence change replaces arginine, which is basic and polar, with glutamine, which is neutral and polar, at codon 32 of the ARID1A protein (p.Arg32Gln). This variant is not present in population databases (gnomAD no frequency). This variant has not been reported in the literature in individuals affected with ARID1A-related conditions. ClinVar contains an entry for this variant (Variation ID: 1953949). Invitae Evidence Modeling of protein sequence and biophysical properties (such as structural, functional, and spatial information, amino acid conservation, physicochemical variation, residue mobility, and thermodynamic stability) indicates that this missense variant is not expected to disrupt ARID1A protein function with a negative predictive value of 95%. In summary, the available evidence is currently insufficient to determine the role of this variant in disease. Therefore, it has been classified as a Variant of Uncertain Significance.